The following is an entry in ClinVar:

NM_004453.4(ETFDH):c.186G>C (p.Met62Ile)

Gene: ETFDH (electron transfer flavoprotein dehydrogenase; plus strand). Cytogenetic location: 4q32.1.
Variant type: single nucleotide variant.
Coding change: c.186G>C on transcript NM_004453.4 (MANE Select); coding-DNA position 186, G replaced by C.
Protein change: p.Met62Ile; replaces methionine 62 with isoleucine.
Molecular consequence: missense variant. On other transcripts: initiator codon variant (1).
Genome position (GRCh38, 1-based): chr4:158,682,205, G>C. VCF-style: chr4-158682205-G-C. GRCh37 (hg19) VCF-style: chr4-159603357-G-C.
Other names: c.45G>C, p.Met15Ile (NM_001281737.2); c.3G>C, p.Met1Ile (NM_001281738.1); short protein forms M62I, M15I, M1I.
Identifiers: ClinVar variation 432314 (VCV000432314.4), dbSNP rs1185220863, ClinGen allele CA358573775.

ClinVar aggregate classification (germline): Uncertain significance. Review status: criteria provided, single submitter (1 of 4 stars). 2 submissions from 2 submitters: Uncertain significance (1). 1 of the submissions does not count toward it. Last evaluated 2017-06-02.

Conditions:
Glutaric acidemia type 2C.

Allele frequency attached by ClinVar (database versions not stated): gnomAD exomes 0.00001.
gnomAD v4.1: 32 of 1,614,006 alleles (0.002%); highest among the groups gnomAD compares: Non-Finnish European, 0.0026%; no homozygotes.

Submissions (2):

GeneDx
Classification: Uncertain significance. Last evaluated: 2017-06-02. Review status: criteria provided, single submitter. Criteria: GeneDx Variant Classification (06012015). Collection method: clinical testing. Allele origin: germline. Affected: yes.
Comment: The M62I variant in the ETFDH gene has not been reported previously as a pathogenic variant, nor as a benign variant, to our knowledge. The M62I variant is not observed in large population cohorts (Lek et al., 2016; 1000 Genomes Consortium et al., 2015; Exome Variant Server). The M62I variant is a conservative amino acid substitution, which is not likely to impact secondary protein structure as these residues share similar properties. However, this substitution occurs at a position that is conserved across species, and in silico analysis predicts this variant is probably damaging to the protein structure/function. We interpret M62I as a variant of uncertain significance.

Natera, Inc.
Classification: Uncertain significance for Glutaric acidemia type 2C. Last evaluated: 2021-06-10. Review status: no assertion criteria provided. Collection method: clinical testing. Allele origin: germline. Not counted in ClinVar's aggregate classification.